The following is an entry in ClinVar:

ClinVar aggregate classification (germline): Uncertain significance. Review status: criteria provided, multiple submitters, no conflicts (2 of 4 stars). 3 submissions from 3 submitters: Uncertain significance (3). Last evaluated 2024-05-04.

Conditions:
Cardiovascular phenotype. Identifiers: MedGen CN230736.
Arrhythmogenic right ventricular dysplasia 11. Also called: Arrhythmogenic right ventricular dysplasia 11 with mild palmoplantar keratoderma and woolly hair; Arrhythmogenic Right Ventricular Dysplasia/Cardiomyopathy11; ARRHYTHMOGENIC RIGHT VENTRICULAR DYSPLASIA, FAMILIAL, 11. Identifiers: MedGen C1864850, MONDO:0012506, OMIM 610476.

Submissions (3):

Labcorp Genetics (formerly Invitae), Labcorp
Classification: Uncertain significance for Arrhythmogenic right ventricular dysplasia 11. Last evaluated: 2024-05-04. Review status: criteria provided, single submitter. Criteria: Invitae Variant Classification Sherloc (09022015). Collection method: clinical testing. Allele origin: germline.
Comment: This sequence change replaces cysteine, which is neutral and slightly polar, with serine, which is neutral and polar, at codon 671 of the DSC2 protein (p.Cys671Ser). Information on the frequency of this variant in the gnomAD database is not available, as this variant may be reported differently in the database. This variant has not been reported in the literature in individuals affected with DSC2-related conditions. ClinVar contains an entry for this variant (Variation ID: 222559). An algorithm developed to predict the effect of missense changes on protein structure and function (PolyPhen-2) suggests that this variant is likely to be disruptive. In summary, the available evidence is currently insufficient to determine the role of this variant in disease. Therefore, it has been classified as a Variant of Uncertain Significance.

Ambry Genetics
Classification: Uncertain significance for Cardiovascular phenotype. Last evaluated: 2023-12-08. Review status: criteria provided, single submitter. Criteria: Ambry Variant Classification Scheme 2023. Collection method: clinical testing. Allele origin: germline.
Comment: The c.2012_2013delGCinsCT variant (also known as p.C671S), located in coding exon 13 of the DSC2 gene, results from an in-frame deletion of GC and insertion of CT at nucleotide positions 2012 to 2013. This results in the substitution of the cysteine residue for a serine residue at codon 671, an amino acid with dissimilar properties.This amino acid position is highly conserved in available vertebrate species. Since supporting evidence is limited at this time, the clinical significance of this variant remains unclear.

Women's Health and Genetics/Laboratory Corporation of America, LabCorp
Classification: Uncertain significance. Last evaluated: 2021-10-02. Review status: criteria provided, single submitter. Criteria: LabCorp Variant Classification Summary - May 2015. Collection method: clinical testing. Allele origin: germline.
Comment: Variant summary: DSC2 c.2012_2013delinsCT (p.Cys671Ser) results in a non-conservative amino acid change located in the Cadherin-like domain (IPR002126) of the encoded protein sequence. Five of five in-silico tools predict a damaging effect of the variant on protein function. The variant was absent in 250616 control chromosomes. The available data on variant occurrences in the general population are insufficient to allow any conclusion about variant significance. To our knowledge, no occurrence of c.2012_2013delinsCT in individuals affected with Arrhythmogenic Right Ventricular Dysplasia/Cardiomyopathy and no experimental evidence demonstrating its impact on protein function have been reported. At-least one co-occurrence with another pathogenic variant(s) has been observed in a specimen undergoing evaluation for familial cardiomyopathy at our laboratory (LMNA c.646C>T, p.Arg216Cys), providing supporting evidence for a benign role. Three clinical diagnostic laboratories have submitted clinical-significance assessments for this variant to ClinVar after 2014 without evidence for independent evaluation. All laboratories classified the variant as uncertain significance. Based on the evidence outlined above, the variant was classified as uncertain significance.

NM_024422.6(DSC2):c.2012_2013delinsCT (p.Cys671Ser)

Gene: DSC2 (desmocollin 2; minus strand). Cytogenetic location: 18q12.1.
Variant type: Indel.
Coding change: c.2012_2013delinsCT on transcript NM_024422.6 (MANE Select); coding-DNA positions 2012 to 2013, GC replaced by CT.
Protein change: p.Cys671Ser; replaces cysteine 671 with serine.
Molecular consequence: missense variant.
Genome position (GRCh38, 1-based): chr18:31,071,717-31,071,718, GC replaced by AG on the plus strand (GC replaced by CT on the coding strand, the reverse complement: DSC2 is on the minus strand). VCF-style: chr18-31071717-GC-AG. GRCh37 (hg19) VCF-style: chr18-28651683-GC-AG.
Other names: c.2012_2013delGCinsCT (NM_024422.4); c.2012_2013delinsCT, p.Cys671Ser (NM_004949.5); short protein forms C671S.
Identifiers: ClinVar variation 222559 (VCV000222559.12), dbSNP rs869025387, ClinGen allele CA351994.